The following is an entry in ClinVar:

ClinVar aggregate classification (germline): Benign (0 of 4 stars; one submission).

Conditions:
ZC3H4-related disorder. Also called: ZC3H4-related condition.

Allele frequency attached by ClinVar (database versions not stated): gnomAD exomes 0.00069; ExAC 0.00185; 1000 Genomes Project 30x 0.00562; 1000 Genomes Project 0.00579; gnomAD 0.00592; ESP Exome Variant Server 0.00610; TOPMed 0.00655.
gnomAD v4.1: 1,959 of 1,612,896 alleles (0.12%); highest among the groups gnomAD compares: African/African-American, 2.1%; 26 homozygotes.

Submission:

PreventionGenetics, part of Exact Sciences
Classification: Benign for ZC3H4-related condition. Last evaluated: 2019-11-25. Review status: no assertion criteria provided. Collection method: clinical testing. Allele origin: germline.
Comment: This variant is classified as benign based on ACMG/AMP sequence variant interpretation guidelines (Richards et al. 2015 PMID: 25741868, with internal and published modifications).

NM_015168.2(ZC3H4):c.2037C>T (p.Ser679=)

Gene: ZC3H4 (zinc finger CCCH-type containing 4; minus strand). Cytogenetic location: 19q13.32.
Variant type: single nucleotide variant.
Coding change: c.2037C>T on transcript NM_015168.2 (MANE Select); coding-DNA position 2037, C replaced by T.
Protein change: p.Ser679=; no amino-acid change (serine 679 retained).
Molecular consequence: synonymous variant.
Genome position (GRCh38, 1-based): chr19:47,071,887, G>A on the plus strand (C>T on the coding strand, the complement: ZC3H4 is on the minus strand). VCF-style: chr19-47071887-G-A. GRCh37 (hg19) VCF-style: chr19-47575144-G-A.
Identifiers: ClinVar variation 3055299 (VCV003055299.2), dbSNP rs116366877, ClinGen allele CA9535018.